The following is an entry in ClinVar:

NM_004385.5(VCAN):c.3430G>T (p.Gly1144Cys)

Gene: VCAN (versican; plus strand). Cytogenetic location: 5q14.3.
Variant type: single nucleotide variant.
Coding change: c.3430G>T on transcript NM_004385.5 (MANE Select); coding-DNA position 3430, G replaced by T.
Protein change: p.Gly1144Cys; replaces glycine 1144 with cysteine.
Molecular consequence: missense variant. On other transcripts: intron variant (2).
Genome position (GRCh38, 1-based): chr5:83,521,736, G>T. VCF-style: chr5-83521736-G-T. GRCh37 (hg19) VCF-style: chr5-82817555-G-T.
Other names: c.3430G>T, p.Gly1144Cys (NM_001164098.2); c.1042+9340G>T (NM_001164097.2, NM_001126336.3); short protein forms G1144C.
Identifiers: ClinVar variation 1721842 (VCV001721842.5), dbSNP rs2479057940, ClinGen allele CA360306040.

ClinVar aggregate classification (germline): Uncertain significance (1 of 4 stars; one submission).

Submission:

Labcorp Genetics (formerly Invitae), Labcorp
Classification: Uncertain significance. Last evaluated: 2022-10-19. Review status: criteria provided, single submitter. Criteria: Invitae Variant Classification Sherloc (09022015). Collection method: clinical testing. Allele origin: germline.
Comment: This sequence change replaces glycine, which is neutral and non-polar, with cysteine, which is neutral and slightly polar, at codon 1144 of the VCAN protein (p.Gly1144Cys). This variant is not present in population databases (gnomAD no frequency). This variant has not been reported in the literature in individuals affected with VCAN-related conditions. Algorithms developed to predict the effect of missense changes on protein structure and function (SIFT, PolyPhen-2, Align-GVGD) all suggest that this variant is likely to be disruptive. In summary, the available evidence is currently insufficient to determine the role of this variant in disease. Therefore, it has been classified as a Variant of Uncertain Significance.